The following is an entry in ClinVar:

ClinVar aggregate classification (germline): Likely benign. Review status: criteria provided, multiple submitters, no conflicts (2 of 4 stars). 5 submissions from 5 submitters: Likely benign (5). Last evaluated 2026-07-01.

Conditions:
Inborn genetic diseases. Identifiers: MedGen C0950123, MeSH D030342.
Cornelia de Lange syndrome 1 (CDLS1). Also called: Brachmann de Lange syndrome; TYPUS DEGENERATIVUS AMSTELODAMENSIS; NIPBL-Related Cornelia de Lange Syndrome. Identifiers: Orphanet 199, MedGen C4551851, MONDO:0007387, OMIM 122470.

Allele frequency attached by ClinVar (database versions not stated): gnomAD 0.00003; TOPMed 0.00003.
gnomAD v4.1: 26 of 1,583,802 alleles (0.0016%); highest among the groups gnomAD compares: Admixed American, 0.043%; no homozygotes.

Submissions (5):

CeGaT Center for Human Genetics Tuebingen
Classification: Likely benign. Last evaluated: 2026-07-01. Review status: criteria provided, single submitter. Criteria: CeGaT Center For Human Genetics Tuebingen Variant Classification Criteria Version 2. Collection method: clinical testing. Allele origin: germline. Affected: yes. Observed: 1 variant allele.
Comment: NIPBL: PP2, BS1

Labcorp Genetics (formerly Invitae), Labcorp
Classification: Likely benign for Cornelia de Lange syndrome 1. Last evaluated: 2025-11-28. Review status: criteria provided, single submitter. Criteria: Invitae Variant Classification Sherloc (09022015). Collection method: clinical testing. Allele origin: germline.

Ambry Genetics
Classification: Likely benign for Inborn genetic diseases. Last evaluated: 2021-11-09. Review status: criteria provided, single submitter. Criteria: Ambry Variant Classification Scheme 2023. Collection method: clinical testing. Allele origin: germline.

Genome-Nilou Lab
Classification: Likely benign for Cornelia de Lange syndrome 1. Last evaluated: 2021-07-15. Review status: criteria provided, single submitter. Criteria: ACMG Guidelines, 2015. Collection method: clinical testing. Allele origin: germline. Affected: no.

Genetic Services Laboratory, University of Chicago
Classification: Likely benign. Last evaluated: 2013-02-08. Review status: criteria provided, single submitter. Criteria: ACMG Guidelines, 2007. Collection method: clinical testing. Allele origin: germline. Inheritance: Autosomal dominant inheritance.

NM_133433.4(NIPBL):c.6613A>G (p.Ser2205Gly)

Gene: NIPBL (NIPBL cohesin loading factor; plus strand). Cytogenetic location: 5p13.2.
Variant type: single nucleotide variant.
Coding change: c.6613A>G on transcript NM_133433.4 (MANE Select); coding-DNA position 6613, A replaced by G.
Protein change: p.Ser2205Gly; replaces serine 2205 with glycine.
Molecular consequence: missense variant.
Genome position (GRCh38, 1-based): chr5:37,048,525, A>G. VCF-style: chr5-37048525-A-G. GRCh37 (hg19) VCF-style: chr5-37048627-A-G.
Other names: c.6613A>G, p.Ser2205Gly (NM_015384.5); short protein forms S2205G.
Identifiers: ClinVar variation 159203 (VCV000159203.17), dbSNP rs587784018, ClinGen allele CA172749.